The following is an entry in ClinVar:

NM_012123.4(MTO1):c.175G>T (p.Gly59Cys)

Gene: MTO1 (mitochondrial tRNA translation optimization 1; plus strand). Cytogenetic location: 6q13.
Variant type: single nucleotide variant.
Coding change: c.175G>T on transcript NM_012123.4 (MANE Select); coding-DNA position 175, G replaced by T.
Protein change: p.Gly59Cys; replaces glycine 59 with cysteine.
Molecular consequence: missense variant.
Genome position (GRCh38, 1-based): chr6:73,462,029, G>T. VCF-style: chr6-73462029-G-T. GRCh37 (hg19) VCF-style: chr6-74171752-G-T.
Other names: c.175G>T, p.Gly59Cys (NM_001123226.2, NM_133645.3); short protein forms G59C.
Identifiers: ClinVar variation 1429574 (VCV001429574.6), dbSNP rs376887969, ClinGen allele CA3889239.

ClinVar aggregate classification (germline): Uncertain significance (1 of 4 stars; one submission).

Conditions:
Mitochondrial hypertrophic cardiomyopathy with lactic acidosis due to MTO1 deficiency. Also called: CARDIOMYOPATHY, INFANTILE HYPERTROPHIC MITOCHONDRIAL, AND LACTIC ACIDOSIS; Combined oxidative phosphorylation deficiency 10. Identifiers: Orphanet 314637, MedGen C4749921, MONDO:0013865, OMIM 614702.

Allele frequency attached by ClinVar (database versions not stated): ExAC 0.00002; gnomAD 0.00001; TOPMed 0.00001; ESP Exome Variant Server 0.00008; gnomAD exomes 0.00001.
gnomAD v4.1: 8 of 1,613,924 alleles (0.0005%); highest among the groups gnomAD compares: Non-Finnish European, 0.00068%; no homozygotes.

Submission:

Labcorp Genetics (formerly Invitae), Labcorp
Classification: Uncertain significance for Mitochondrial hypertrophic cardiomyopathy with lactic acidosis due to MTO1 deficiency. Last evaluated: 2022-02-12. Review status: criteria provided, single submitter. Criteria: Invitae Variant Classification Sherloc (09022015). Collection method: clinical testing. Allele origin: germline.
Comment: In summary, the available evidence is currently insufficient to determine the role of this variant in disease. Therefore, it has been classified as a Variant of Uncertain Significance. Algorithms developed to predict the effect of missense changes on protein structure and function are either unavailable or do not agree on the potential impact of this missense change (SIFT: "Deleterious"; PolyPhen-2: "Probably Damaging"; Align-GVGD: "Class C0"). This variant has not been reported in the literature in individuals affected with MTO1-related conditions. This variant is present in population databases (rs376887969, gnomAD 0.003%). This sequence change replaces glycine, which is neutral and non-polar, with cysteine, which is neutral and slightly polar, at codon 59 of the MTO1 protein (p.Gly59Cys).